The following is an entry in ClinVar:

ClinVar aggregate classification (germline): Uncertain significance. Review status: criteria provided, multiple submitters, no conflicts (2 of 4 stars). 3 submissions from 3 submitters: Uncertain significance (3). Last evaluated 2025-05-13.

Conditions:
Hereditary cancer-predisposing syndrome. Also called: Hereditary Cancer Syndrome; Tumor predisposition; Hereditary neoplastic syndrome; Neoplastic Syndromes, Hereditary. Identifiers: Orphanet 140162, MedGen C0027672, MeSH D009386, MONDO:0015356.
Gorlin syndrome. Also called: Nevoid Basal Cell Carcinoma Syndrome; Basal cell nevus syndrome. Identifiers: Orphanet 377, MedGen C0004779, MONDO:0007187.

Submissions (3):

Ambry Genetics
Classification: Uncertain significance for Hereditary cancer-predisposing syndrome. Last evaluated: 2025-05-13. Review status: criteria provided, single submitter. Criteria: Ambry Variant Classification Scheme 2023. Collection method: clinical testing. Allele origin: germline.
Comment: The p.Y446S variant (also known as c.1337A>C), located in coding exon 9 of the PTCH1 gene, results from an A to C substitution at nucleotide position 1337. The tyrosine at codon 446 is replaced by serine, an amino acid with dissimilar properties. This amino acid position is highly conserved in available vertebrate species. In addition, this alteration is predicted to be deleterious by in silico analysis. Based on the available evidence, the clinical significance of this variant remains unclear.

Labcorp Genetics (formerly Invitae), Labcorp
Classification: Uncertain significance for Gorlin syndrome. Last evaluated: 2022-08-06. Review status: criteria provided, single submitter. Criteria: Invitae Variant Classification Sherloc (09022015). Collection method: clinical testing. Allele origin: germline.
Comment: This variant has not been reported in the literature in individuals affected with PTCH1-related conditions. This variant is not present in population databases (gnomAD no frequency). This sequence change replaces tyrosine, which is neutral and polar, with serine, which is neutral and polar, at codon 446 of the PTCH1 protein (p.Tyr446Ser). In summary, the available evidence is currently insufficient to determine the role of this variant in disease. Therefore, it has been classified as a Variant of Uncertain Significance. Advanced modeling of protein sequence and biophysical properties (such as structural, functional, and spatial information, amino acid conservation, physicochemical variation, residue mobility, and thermodynamic stability) performed at Invitae indicates that this missense variant is expected to disrupt PTCH1 protein function. ClinVar contains an entry for this variant (Variation ID: 1059441).

Blueprint Genetics
Classification: Uncertain significance. Last evaluated: 2021-01-25. Review status: criteria provided, single submitter. Criteria: ACMG Guidelines, 2015. Collection method: clinical testing. Allele origin: germline.

NM_000264.5(PTCH1):c.1337A>C (p.Tyr446Ser)

Gene: PTCH1 (patched 1; minus strand). Cytogenetic location: 9q22.32.
Variant type: single nucleotide variant.
Coding change: c.1337A>C on transcript NM_000264.5 (MANE Select); coding-DNA position 1337, A replaced by C.
Protein change: p.Tyr446Ser; replaces tyrosine 446 with serine.
Molecular consequence: missense variant. On other transcripts: non-coding transcript variant (1).
Genome position (GRCh38, 1-based): chr9:95,478,065, T>G on the plus strand (A>C on the coding strand, the complement: PTCH1 is on the minus strand). VCF-style: chr9-95478065-T-G. GRCh37 (hg19) VCF-style: chr9-98240347-T-G.
Other names: c.1337A>C (NM_000264.3); c.1139A>C, p.Tyr380Ser (NM_001083602.3); c.1334A>C, p.Tyr445Ser (NM_001083603.3); c.884A>C, p.Tyr295Ser (NM_001083604.3, NM_001083605.3, NM_001083606.3 and 1 more transcripts); c.1337A>C, p.Tyr446Ser (NM_001354918.2); short protein forms Y295S, Y380S, Y445S, Y446S.
Identifiers: ClinVar variation 1059441 (VCV001059441.11), dbSNP rs2118329512, ClinGen allele CA374118721.